The following is an entry in ClinVar:

ClinVar aggregate classification (germline): Benign. Review status: criteria provided, multiple submitters, no conflicts (2 of 4 stars). 3 submissions from 3 submitters: Benign (3). Last evaluated 2018-06-29.

Conditions:
Familial infantile myoclonic epilepsy (FIME). Also called: TBC1D24-Related Familial Infantile Myoclonic Epilepsy (FIME); Epilepsy, Myoclonic, Infantile. Identifiers: Orphanet 352582, MedGen C0917800, MONDO:0011506, OMIM 605021.

Allele frequency attached by ClinVar (database versions not stated): ESP Exome Variant Server 0.01943; 1000 Genomes Project 0.02057; 1000 Genomes Project 30x 0.02077; TOPMed 0.02040.
gnomAD v4.1: 5,904 of 1,603,478 alleles (0.37%); highest among the groups gnomAD compares: African/African-American, 6.6%; 178 homozygotes.

Submissions (3):

GeneDx
Classification: Benign. Last evaluated: 2018-06-29. Review status: criteria provided, single submitter. Criteria: GeneDx Variant Classification Process June 2021. Collection method: clinical testing. Allele origin: germline. Affected: yes.

Illumina Laboratory Services, Illumina
Classification: Benign for Familial infantile myoclonic epilepsy. Last evaluated: 2018-01-13. Review status: criteria provided, single submitter. Criteria: ICSL Variant Classification Criteria 13 December 2019. Collection method: clinical testing. Allele origin: germline.
Comment: This variant was observed in the ICSL laboratory as part of a predisposition screen in an ostensibly healthy population. It had not been previously curated by ICSL or reported in the Human Gene Mutation Database (HGMD: prior to June 1st, 2018), and was therefore a candidate for classification through an automated scoring system. Utilizing variant allele frequency, disease prevalence and penetrance estimates, and inheritance mode, an automated score was calculated to assess if this variant is too frequent to cause the disease. Based on the score and internal cut-off values, a variant classified as benign is not then subjected to further curation. The score for this variant resulted in a classification of benign for this disease.

Breakthrough Genomics
Classification: Benign. Review status: criteria provided, single submitter. Criteria: ACMG Guidelines, 2015. Collection method: not provided. Allele origin: germline. Inheritance: Autosomal recessive inheritance. Affected: yes.

NM_001199107.2(TBC1D24):c.*36G>T

Gene: TBC1D24 (TBC1 domain family member 24; plus strand). Cytogenetic location: 16p13.3.
Variant type: single nucleotide variant.
Coding change: c.*36G>T on transcript NM_001199107.2 (MANE Select); 36 bases downstream of the stop codon, G replaced by T.
Molecular consequence: 3 prime UTR variant.
Genome position (GRCh38, 1-based): chr16:2,500,994, G>T. VCF-style: chr16-2500994-G-T. GRCh37 (hg19) VCF-style: chr16-2550995-G-T.
Other names: c.*36G>T (NM_020705.3).
Identifiers: ClinVar variation 318621 (VCV000318621.7), dbSNP rs73490289, ClinGen allele CA7844390.